The following is an entry in ClinVar:

NM_213599.3(ANO5):c.1545A>G (p.Ser515=)

Gene: ANO5 (anoctamin 5; plus strand). Cytogenetic location: 11p14.3.
Variant type: single nucleotide variant.
Coding change: c.1545A>G on transcript NM_213599.3 (MANE Select); coding-DNA position 1545, A replaced by G.
Protein change: p.Ser515=; no amino-acid change (serine 515 retained).
Molecular consequence: synonymous variant.
Genome position (GRCh38, 1-based): chr11:22,259,656, A>G. VCF-style: chr11-22259656-A-G. GRCh37 (hg19) VCF-style: chr11-22281202-A-G.
Other names: p.Ser515=; c.1542A>G, p.Ser514= (NM_001142649.2).
Identifiers: ClinVar variation 140550 (VCV000140550.28), dbSNP rs35843353, ClinGen allele CA179748.

ClinVar aggregate classification (germline): Benign/Likely benign. Review status: criteria provided, multiple submitters, no conflicts (2 of 4 stars). 15 submissions from 13 submitters: Benign (9); Likely benign (2). 4 of the submissions do not count toward it. Last evaluated 2026-01-27.

Conditions:
Autosomal recessive limb-girdle muscular dystrophy type 2L (LGMDR12). Also called: Limb-girdle muscular dystrophy, type 2L; Limb-Girdle Muscular Dystrophy R12 Anoctamin-5-Related (LGMD-R12); MUSCULAR DYSTROPHY, LIMB-GIRDLE, AUTOSOMAL RECESSIVE 12. Identifiers: Orphanet 206549, MedGen C1969785, MONDO:0012652, OMIM 611307.
Gnathodiaphyseal dysplasia (GDD). Also called: GNATHODIAPHYSEAL SCLEROSIS; OSTEOGENESIS IMPERFECTA WITH UNUSUAL SKELETAL LESIONS. Identifiers: Orphanet 53697, MedGen C1833736, MONDO:0008151, OMIM 166260.
Miyoshi muscular dystrophy 3 (MMD3). Also called: Miyoshi myopathy 3; Miyoshi Muscular Dystrophy 3 (MMD3). Identifiers: Orphanet 399096, MedGen C2750076, MONDO:0013222, OMIM 613319.

Allele frequency attached by ClinVar (database versions not stated): gnomAD exomes 0.00146; ExAC 0.00180; 1000 Genomes Project 0.00499; 1000 Genomes Project 30x 0.00609; gnomAD 0.00641 and 0.00699; TOPMed 0.00669; ESP Exome Variant Server 0.00700.
gnomAD v4.1: 1,787 of 1,614,042 alleles (0.11%); highest among the groups gnomAD compares: African/African-American, 2.1%; 11 homozygotes.

Submissions (15):

Labcorp Genetics (formerly Invitae), Labcorp
Classification: Benign for Autosomal recessive limb-girdle muscular dystrophy type 2L; Gnathodiaphyseal dysplasia. Last evaluated: 2026-01-27. Review status: criteria provided, single submitter. Criteria: Invitae Variant Classification Sherloc (09022015). Collection method: clinical testing. Allele origin: germline.

Mayo Clinic Laboratories, Mayo Clinic
Classification: Benign. Last evaluated: 2024-11-15. Review status: criteria provided, single submitter. Criteria: ACMG Guidelines, 2015. Collection method: clinical testing. Allele origin: germline. Observed: 8 variant alleles.
Comment: BS1, BS2, BP4, BP7

Blueprint Genetics
Classification: Likely benign. Last evaluated: 2024-11-01. Review status: criteria provided, single submitter. Criteria: ACMG Guidelines, 2015. Collection method: clinical testing. Allele origin: germline.

Athena Diagnostics
Classification: Benign. Last evaluated: 2024-07-31. Review status: criteria provided, single submitter. Criteria: Athena Diagnostics Criteria. Collection method: clinical testing. Allele origin: unknown.

ARUP Laboratories, Molecular Genetics and Genomics, ARUP Laboratories
Classification: Benign. Last evaluated: 2023-09-21. Review status: criteria provided, single submitter. Criteria: ARUP Molecular Germline Variant Investigation Process 2024. Collection method: clinical testing. Allele origin: germline.

Genome-Nilou Lab
Classification: Benign for Gnathodiaphyseal dysplasia. Last evaluated: 2021-12-05. Review status: criteria provided, single submitter. Criteria: ACMG Guidelines, 2015. Collection method: clinical testing. Allele origin: germline. Affected: no.

Genome-Nilou Lab
Classification: Benign for Miyoshi muscular dystrophy 3. Last evaluated: 2021-12-05. Review status: criteria provided, single submitter. Criteria: ACMG Guidelines, 2015. Collection method: clinical testing. Allele origin: germline. Affected: no.

Genome-Nilou Lab
Classification: Benign for Autosomal recessive limb-girdle muscular dystrophy type 2L. Last evaluated: 2021-12-05. Review status: criteria provided, single submitter. Criteria: ACMG Guidelines, 2015. Collection method: clinical testing. Allele origin: germline. Affected: no.

GeneDx
Classification: Benign. Last evaluated: 2019-06-12. Review status: criteria provided, single submitter. Criteria: GeneDx Variant Classification Process June 2021. Collection method: clinical testing. Allele origin: germline. Affected: yes.

Eurofins Ntd Llc (ga)
Classification: Benign. Last evaluated: 2013-12-10. Review status: criteria provided, single submitter. Criteria: EGL Classification Definitions 2015. Collection method: clinical testing. Allele origin: germline. Observed: 1 variant allele, 1 heterozygote.

PreventionGenetics, part of Exact Sciences
Classification: Likely benign. Review status: criteria provided, single submitter. Criteria: ACMG Guidelines, 2015. Collection method: clinical testing. Allele origin: germline.

ANO5 @LOVD
No classification provided. Review status: no classification provided. Collection method: not provided. Allele origin: unknown. Not counted in ClinVar's aggregate classification.

Clinical Genetics DNA and cytogenetics Diagnostics Lab, Erasmus MC, Erasmus Medical Center
Classification: Benign. Review status: no assertion criteria provided. Collection method: clinical testing. Allele origin: germline. Affected: yes. Study: VKGL Data-share Consensus. Not counted in ClinVar's aggregate classification.

Diagnostic Laboratory, Department of Genetics, University Medical Center Groningen
Classification: Benign. Review status: no assertion criteria provided. Collection method: clinical testing. Allele origin: germline. Affected: yes. Study: VKGL Data-share Consensus. Not counted in ClinVar's aggregate classification.

Laboratory of Diagnostic Genome Analysis, Leiden University Medical Center (LUMC)
Classification: Likely benign. Review status: no assertion criteria provided. Collection method: clinical testing. Allele origin: germline. Affected: yes. Study: VKGL Data-share Consensus. Not counted in ClinVar's aggregate classification.